The following is an entry in ClinVar:

NM_001369369.1(FOXN1):c.1753C>T (p.Pro585Ser)

Gene: FOXN1 (forkhead box N1; plus strand). Cytogenetic location: 17q11.2.
Variant type: single nucleotide variant.
Coding change: c.1753C>T on transcript NM_001369369.1 (MANE Select); coding-DNA position 1753, C replaced by T.
Protein change: p.Pro585Ser; replaces proline 585 with serine.
Molecular consequence: missense variant.
Genome position (GRCh38, 1-based): chr17:28,537,242, C>T. VCF-style: chr17-28537242-C-T. GRCh37 (hg19) VCF-style: chr17-26864260-C-T.
Other names: c.1753C>T, p.Pro585Ser (NM_003593.3); short protein forms P585S.
Identifiers: ClinVar variation 1006094 (VCV001006094.4), dbSNP rs779266385, ClinGen allele CA8459617.

ClinVar aggregate classification (germline): Uncertain significance (1 of 4 stars; one submission).

Conditions:
T-cell immunodeficiency, congenital alopecia, and nail dystrophy. Also called: Congenital alopecia and nail dystrophy associated with severe functional T-cell immunodeficiency; Pignata Guarino syndrome. Identifiers: Orphanet 169095, MedGen C1866426, MONDO:0011132, OMIM 601705.

Allele frequency attached by ClinVar (database versions not stated): ExAC 0.00002; gnomAD 0.00002; gnomAD exomes 0.00002; TOPMed 0.00003.
gnomAD v4.1: 38 of 1,613,840 alleles (0.0024%); highest among the groups gnomAD compares: Non-Finnish European, 0.003%; no homozygotes.

Submission:

Labcorp Genetics (formerly Invitae), Labcorp
Classification: Uncertain significance for T-cell immunodeficiency, congenital alopecia, and nail dystrophy. Last evaluated: 2025-10-29. Review status: criteria provided, single submitter. Criteria: Invitae Variant Classification Sherloc (09022015). Collection method: clinical testing. Allele origin: germline.
Comment: This sequence change replaces proline, which is neutral and non-polar, with serine, which is neutral and polar, at codon 585 of the FOXN1 protein (p.Pro585Ser). This variant is present in population databases (rs779266385, gnomAD 0.007%). This variant has not been reported in the literature in individuals affected with FOXN1-related conditions. ClinVar contains an entry for this variant (Variation ID: 1006094). Invitae Evidence Modeling of protein sequence and biophysical properties (such as structural, functional, and spatial information, amino acid conservation, physicochemical variation, residue mobility, and thermodynamic stability) indicates that this missense variant is not expected to disrupt FOXN1 protein function with a negative predictive value of 80%. In summary, the available evidence is currently insufficient to determine the role of this variant in disease. Therefore, it has been classified as a Variant of Uncertain Significance.